The following is an entry in ClinVar:

ClinVar aggregate classification (germline): Uncertain significance (1 of 4 stars; one submission).

Submission:

GeneDx
Classification: Uncertain significance. Last evaluated: 2024-10-14. Review status: criteria provided, single submitter. Criteria: GeneDx Variant Classification Process June 2021. Collection method: clinical testing. Allele origin: germline. Affected: yes.
Comment: Not observed at significant frequency in large population cohorts (gnomAD); In silico analysis supports that this missense variant has a deleterious effect on protein structure/function; Has not been previously published as pathogenic or benign to our knowledge

NM_021728.4(OTX2):c.616G>A (p.Gly206Ser)

Gene: OTX2 (orthodenticle homeobox 2; minus strand). Cytogenetic location: 14q22.3.
Variant type: single nucleotide variant.
Coding change: c.616G>A on transcript NM_021728.4 (MANE Select); coding-DNA position 616, G replaced by A.
Protein change: p.Gly206Ser; replaces glycine 206 with serine.
Molecular consequence: missense variant. On other transcripts: non-coding transcript variant (2).
Genome position (GRCh38, 1-based): chr14:56,802,013, C>T on the plus strand (G>A on the coding strand, the complement: OTX2 is on the minus strand). VCF-style: chr14-56802013-C-T. GRCh37 (hg19) VCF-style: chr14-57268731-C-T.
Other names: c.592G>A, p.Gly198Ser (NM_001270523.2, NM_001270524.2, NM_172337.3); c.616G>A, p.Gly206Ser (NM_001270525.2); short protein forms G198S, G206S.
Identifiers: ClinVar variation 3780987 (VCV003780987.1).